The following is an entry in ClinVar:

NM_001370259.2(MEN1):c.654+3A>G

Gene: MEN1 (menin 1; minus strand). Cytogenetic location: 11q13.1.
Variant type: single nucleotide variant.
Coding change: c.654+3A>G on transcript NM_001370259.2 (MANE Select); 3 bases into the intron after coding-DNA position 654, A replaced by G.
Molecular consequence: intron variant.
Genome position (GRCh38, 1-based): chr11:64,807,888, T>C on the plus strand (A>G on the coding strand, the complement: MEN1 is on the minus strand). VCF-style: chr11-64807888-T-C. GRCh37 (hg19) VCF-style: chr11-64575360-T-C.
Other names: c.669+3A>G (NM_130804.3, NM_130803.3, NM_000244.4 and 3 more transcripts); c.654+3A>G (NM_130799.3, NM_001370260.2, NM_001370251.2 and 1 more transcripts); c.549+108A>G (NM_001370263.2, NM_001370262.2).
Identifiers: ClinVar variation 855905 (VCV000855905.9), dbSNP rs1064793168, ClinGen allele CA645583350.

ClinVar aggregate classification (germline): Likely pathogenic (1 of 4 stars; one submission).

Conditions:
Multiple endocrine neoplasia, type 1 (MEN1). Also called: MEN I; WERMER SYNDROME; MEA I; Endocrine adenomatosis multiple; MEN 1. Identifiers: Orphanet 652, MedGen C0025267, MeSH D018761, MONDO:0007540, OMIM 131100.

gnomAD v4.1: 1 of 1,613,920 alleles (0.000062%); no homozygotes.

Submission:

Labcorp Genetics (formerly Invitae), Labcorp
Classification: Likely pathogenic for Multiple endocrine neoplasia, type 1. Last evaluated: 2024-02-24. Review status: criteria provided, single submitter. Criteria: Invitae Variant Classification Sherloc (09022015). Collection method: clinical testing. Allele origin: germline.
Comment: This sequence change falls in intron 3 of the MEN1 gene. It does not directly change the encoded amino acid sequence of the MEN1 protein. RNA analysis indicates that this variant induces altered splicing and likely results in the loss of 35 amino acid residue(s), but is expected to preserve the integrity of the reading-frame. This variant is not present in population databases (gnomAD no frequency). This variant has been observed in individuals with multiple endocrine neopasia, type 1 (PMID: 10762295, 27904855; Invitae). This variant is also known as 764+3A>G or c.669+3A>G. ClinVar contains an entry for this variant (Variation ID: 855905). Variants that disrupt the consensus splice site are a relatively common cause of aberrant splicing (PMID: 17576681, 9536098). Studies have shown that this variant results in the activation of a cryptic splice site in exon 3 (PMID: 10762295). In summary, the currently available evidence indicates that the variant is pathogenic, but additional data are needed to prove that conclusively. Therefore, this variant has been classified as Likely Pathogenic.

Literature cited by the submitters: PubMed 10762295; PubMed 27904855; PubMed 17576681; PubMed 9536098.